The following is an entry in ClinVar:

NM_001025295.3(IFITM5):c.32G>A (p.Arg11Gln)

Gene: IFITM5 (interferon induced transmembrane protein 5; minus strand). Cytogenetic location: 11p15.5.
Variant type: single nucleotide variant.
Coding change: c.32G>A on transcript NM_001025295.3 (MANE Select); coding-DNA position 32, G replaced by A.
Protein change: p.Arg11Gln; replaces arginine 11 with glutamine.
Molecular consequence: missense variant.
Genome position (GRCh38, 1-based): chr11:299,459, C>T on the plus strand (G>A on the coding strand, the complement: IFITM5 is on the minus strand). VCF-style: chr11-299459-C-T. GRCh37 (hg19) VCF-style: chr11-299459-C-T.
Other names: c.32G>A (NM_001025295.1); short protein forms R11Q.
Identifiers: ClinVar variation 1408481 (VCV001408481.7), dbSNP rs762079301, ClinGen allele CA5773528.
Genomic context (GRCh38, chr11:299,459, plus strand): 5'-GGGTGCGGGGCCCCCAGTGTGAGGGCTGTGTGGGCACCGGCCTTGCTGGGCGTGGGGGCC[C>T]GGGTGTCCTCGCGGGGATACGCCGTGTCCATGGGTTCCAGCGCCGTCTCTTCCACACTCA-3'
Protein context (NP_001020466.1, residues 1-21): MDTAYPREDT[Arg11Gln]APTPSKAGAH

ClinVar aggregate classification (germline): Uncertain significance. Review status: criteria provided, multiple submitters, no conflicts (2 of 4 stars). 2 submissions from 2 submitters: Uncertain significance (2). Last evaluated 2025-02-01.

Conditions:
Inborn genetic diseases. Identifiers: MedGen C0950123, MeSH D030342.

Allele frequency attached by ClinVar (database versions not stated): gnomAD 0.00003; gnomAD exomes 0.00004 and 0.00006; ExAC 0.00006.
gnomAD v4.1: 56 of 1,516,120 alleles (0.0037%); highest among the groups gnomAD compares: South Asian, 0.019%; no homozygotes.

Submissions (2):

Ambry Genetics
Classification: Uncertain significance for Inborn genetic diseases. Last evaluated: 2025-02-01. Review status: criteria provided, single submitter. Criteria: Ambry Variant Classification Scheme 2023. Collection method: clinical testing. Allele origin: germline.

Labcorp Genetics (formerly Invitae), Labcorp
Classification: Uncertain significance. Last evaluated: 2022-12-07. Review status: criteria provided, single submitter. Criteria: Invitae Variant Classification Sherloc (09022015). Collection method: clinical testing. Allele origin: germline.
Comment: ClinVar contains an entry for this variant (Variation ID: 1408481). This sequence change replaces arginine, which is basic and polar, with glutamine, which is neutral and polar, at codon 11 of the IFITM5 protein (p.Arg11Gln). This variant is present in population databases (rs762079301, gnomAD 0.02%). This variant has not been reported in the literature in individuals affected with IFITM5-related conditions. Algorithms developed to predict the effect of missense changes on protein structure and function output the following: SIFT: "Tolerated"; PolyPhen-2: "Benign"; Align-GVGD: "Class C0". The glutamine amino acid residue is found in multiple mammalian species, which suggests that this missense change does not adversely affect protein function. In summary, the available evidence is currently insufficient to determine the role of this variant in disease. Therefore, it has been classified as a Variant of Uncertain Significance.